The following is an entry in ClinVar:

ClinVar aggregate classification (germline): Pathogenic (1 of 4 stars; one submission).

Conditions:
Niemann-Pick disease, type A. Also called: SPHINGOMYELIN LIPIDOSIS; SPHINGOMYELINASE DEFICIENCY; Infantile Neurovisceral ASMD (Niemann-Pick Disease Type A; NPD-A). Identifiers: Orphanet 77292, MedGen C0268242, MONDO:0009756, OMIM 257200. Disease mechanism: loss of function.
Niemann-Pick disease, type B. Also called: Chronic Visceral ASMD (Niemann-Pick Disease Type B; NPD-B). Identifiers: Orphanet 77293, MedGen C0268243, MONDO:0011871, OMIM 607616. Disease mechanism: loss of function.

Submission:

Labcorp Genetics (formerly Invitae), Labcorp
Classification: Pathogenic for Niemann-Pick disease, type B; Niemann-Pick disease, type A. Last evaluated: 2023-01-29. Review status: criteria provided, single submitter. Criteria: Invitae Variant Classification Sherloc (09022015). Collection method: clinical testing. Allele origin: germline.
Comment: This sequence change creates a premature translational stop signal (p.Asn450Argfs*16) in the SMPD1 gene. It is expected to result in an absent or disrupted protein product. Loss-of-function variants in SMPD1 are known to be pathogenic (PMID: 12369017, 15221801). This variant is not present in population databases (gnomAD no frequency). This variant has not been reported in the literature in individuals affected with SMPD1-related conditions. For these reasons, this variant has been classified as Pathogenic.

Literature cited by the submitters: PubMed 12369017; PubMed 15221801.

NM_000543.5(SMPD1):c.1345_1348dup (p.Asn450fs)

Gene: SMPD1 (sphingomyelin phosphodiesterase 1; plus strand). Cytogenetic location: 11p15.4.
Variant type: Microsatellite.
Coding change: c.1345_1348dup on transcript NM_000543.5 (MANE Select); coding-DNA positions 1345 to 1348, 4 bases duplicated (GAGA; older notation c.1345_1348dupGAGA).
Protein change: p.Asn450fs; shifts the reading frame from asparagine 450.
Molecular consequence: frameshift variant. On other transcripts: non-coding transcript variant (2).
Genome position (GRCh38, 1-based): chr11:6,393,900-6,393,903, GAGA duplicated. VCF-style (leftmost placement, unchanged base first): chr11-6393899-T-TGAGA. GRCh37 (hg19) VCF-style: chr11-6415129-T-TGAGA.
Other names: c.1342_1345dup, p.Asn449fs (NM_001007593.3); c.1345_1348dup, p.Asn450fs (NM_001318087.2); c.424_427dup, p.Asn143fs (NM_001318088.2); c.1213_1216dup, p.Asn406fs (NM_001365135.2); short protein forms N450fs, N449fs, N406fs, N143fs.
Identifiers: ClinVar variation 2943718 (VCV002943718.3), dbSNP rs2493819657, ClinGen allele CA2740093616.
Genomic context (GRCh38, chr11:6,393,899, plus strand): 5'-CCCAGATGTCTTCCTACCCCTCCCTAGAATCTTCTGAATGTAGTACCTTCTGGCCAGGTA[T>TGAGA]GAGAACACCCTGGCTGCTCAGTTCTTTGGCCACACTCATGTGGATGAATTTGAGGTCTTC-3'